The following is an entry in ClinVar:

ClinVar aggregate classification (germline): Likely benign (0 of 4 stars; one submission).

Conditions:
POLQ-related disorder. Also called: POLQ-related condition.

Allele frequency attached by ClinVar (database versions not stated): TOPMed 0.00001; gnomAD 0.00016; ExAC 0.00053; 1000 Genomes Project 30x 0.00078; 1000 Genomes Project 0.00100.
gnomAD v4.1: 366 of 1,613,470 alleles (0.023%); highest among the groups gnomAD compares: South Asian, 0.38%; 5 homozygotes.

Submission:

PreventionGenetics, part of Exact Sciences
Classification: Likely benign for POLQ-related condition. Last evaluated: 2022-12-28. Review status: no assertion criteria provided. Collection method: clinical testing. Allele origin: germline.
Comment: This variant is classified as likely benign based on ACMG/AMP sequence variant interpretation guidelines (Richards et al. 2015 PMID: 25741868, with internal and published modifications).

NM_199420.4(POLQ):c.1539G>T (p.Lys513Asn)

Gene: POLQ (DNA polymerase theta; minus strand). Cytogenetic location: 3q13.33.
Variant type: single nucleotide variant.
Coding change: c.1539G>T on transcript NM_199420.4 (MANE Select); coding-DNA position 1539, G replaced by T.
Protein change: p.Lys513Asn; replaces lysine 513 with asparagine.
Molecular consequence: missense variant.
Genome position (GRCh38, 1-based): chr3:121,511,959, C>A on the plus strand (G>T on the coding strand, the complement: POLQ is on the minus strand). VCF-style: chr3-121511959-C-A. GRCh37 (hg19) VCF-style: chr3-121230806-C-A.
Other names: short protein forms K513N.
Identifiers: ClinVar variation 3036461 (VCV003036461.2), dbSNP rs563561418, ClinGen allele CA2563511.